The following is an entry in ClinVar:

NM_015896.4(ZMYND10):c.300del (p.Phe101fs)

Gene: ZMYND10 (zinc finger MYND-type containing 10; minus strand). Cytogenetic location: 3p21.31.
Variant type: Deletion.
Coding change: c.300del on transcript NM_015896.4 (MANE Select); coding-DNA position 300, one base deleted (C; older notation c.300delC).
Protein change: p.Phe101fs; shifts the reading frame from phenylalanine 101.
Molecular consequence: frameshift variant.
Genome position (GRCh38, 1-based): chr3:50,343,752, G deleted on the plus strand (C on the coding strand, the reverse complement: ZMYND10 is on the minus strand); the first of 2 consecutive G bases (chr3:50,343,752-50,343,753); deleting either gives the same sequence. VCF-style (leftmost placement, unchanged base first): chr3-50343751-AG-A. GRCh37 (hg19) VCF-style: chr3-50381182-AG-A.
Other names: c.300del, p.Phe101fs (NM_001308379.2); c.300delC (NM_015896.3); short protein forms F101fs.
Identifiers: ClinVar variation 66022 (VCV000066022.11), dbSNP rs587777043, ClinGen allele CA214440.

ClinVar aggregate classification (germline): Pathogenic. Review status: criteria provided, single submitter (1 of 4 stars). 3 submissions from 3 submitters: Pathogenic (1). 2 of the submissions do not count toward it. Last evaluated 2022-10-09.

Conditions:
ZMYND10-related disorder. Also called: ZMYND10-related condition.
Primary ciliary dyskinesia 22. Also called: CILIARY DYSKINESIA, PRIMARY, 22, WITH OR WITHOUT SITUS INVERSUS. Identifiers: Orphanet 244, MedGen C3809543, MONDO:0014192, OMIM 615444.
Primary ciliary dyskinesia. Also called: Ciliary dyskinesia. Identifiers: Orphanet 244, MedGen C0008780, MONDO:0016575, HP:0012265.

Submissions (3):

Labcorp Genetics (formerly Invitae), Labcorp
Classification: Pathogenic for Primary ciliary dyskinesia. Last evaluated: 2022-10-09. Review status: criteria provided, single submitter. Criteria: Invitae Variant Classification Sherloc (09022015). Collection method: clinical testing. Allele origin: germline.
Comment: For these reasons, this variant has been classified as Pathogenic. ClinVar contains an entry for this variant (Variation ID: 66022). This premature translational stop signal has been observed in individual(s) with primary ciliary dyskinesia (PMID: 23891469). This variant is present in population databases (rs587777043, gnomAD 0.0009%). This sequence change creates a premature translational stop signal (p.Phe101Serfs*38) in the ZMYND10 gene. It is expected to result in an absent or disrupted protein product. Loss-of-function variants in ZMYND10 are known to be pathogenic (PMID: 23891469, 23891471).

PreventionGenetics, part of Exact Sciences
Classification: Pathogenic for ZMYND10-related condition. Last evaluated: 2023-12-29. Review status: no assertion criteria provided. Collection method: clinical testing. Allele origin: germline. Not counted in ClinVar's aggregate classification.
Comment: The ZMYND10 c.300delC variant is predicted to result in a frameshift and premature protein termination (p.Phe101Serfs*38). This variant has been reported in the homozygous state or heterozygous state with a second ZMYND10 variant in a study of individuals with primary ciliary dyskinesia or situs inversus (Zariwala et al. 2013. PubMed ID: 23891469). This variant has not been reported in a large population database, indicating this variant is rare. Frameshift variants in ZMYND10 are expected to be pathogenic. This variant is interpreted as pathogenic.

OMIM
Classification: Pathogenic for CILIARY DYSKINESIA, PRIMARY, 22. Last evaluated: 2013-08-08. Review status: no assertion criteria provided. Collection method: literature only. Allele origin: germline. Not counted in ClinVar's aggregate classification.

Literature cited by the submitters: PubMed 23891469 (cited by Labcorp Genetics (formerly Invitae), Labcorp and OMIM); PubMed 23891471 (cited by Labcorp Genetics (formerly Invitae), Labcorp).